The following is an entry in ClinVar:

NM_016284.5(CNOT1):c.948G>A (p.Pro316=)

Gene: CNOT1 (CCR4-NOT transcription complex subunit 1; minus strand). Cytogenetic location: 16q21.
Variant type: single nucleotide variant.
Coding change: c.948G>A on transcript NM_016284.5 (MANE Select); coding-DNA position 948, G replaced by A.
Protein change: p.Pro316=; no amino-acid change (proline 316 retained).
Molecular consequence: synonymous variant. On other transcripts: non-coding transcript variant (1).
Genome position (GRCh38, 1-based): chr16:58,582,889, C>T on the plus strand (G>A on the coding strand, the complement: CNOT1 is on the minus strand). VCF-style: chr16-58582889-C-T. GRCh37 (hg19) VCF-style: chr16-58616793-C-T.
Other names: c.948G>A, p.Pro316= (NM_001265612.2, NM_206999.3).
Identifiers: ClinVar variation 1972112 (VCV001972112.7), dbSNP rs779487196, ClinGen allele CA8090013.
Genomic context (GRCh38, chr16:58,582,889, plus strand): 5'-CCATGTGTGTGCCTGTGCTCCATCACTTTTATCTTTCCCATCACTCCAGATCCCACTGCC[C>T]GGAGCAGAAATACTCTGTAGAAGTAAAACTTGAATTAAACAAACCCAACTACTCCATGTG-3'
Protein context (NP_057368.3, residues 306-326): DGIPLQSISA[Pro316=]GSGIWSDGKD

ClinVar aggregate classification (germline): Conflicting classifications of pathogenicity. Review status: criteria provided, conflicting classifications (1 of 4 stars). 2 submissions from 2 submitters: Uncertain significance (1); Likely benign (1). Last evaluated 2022-10-17.

Allele frequency attached by ClinVar (database versions not stated): TOPMed below 0.00001; ExAC 0.00002.

Submissions (3):

Labcorp Genetics (formerly Invitae), Labcorp
Classification: Uncertain significance. Last evaluated: 2022-10-17. Review status: criteria provided, single submitter. Criteria: Invitae Variant Classification Sherloc (09022015). Collection method: clinical testing. Allele origin: germline.
Comment: This variant is present in population databases (rs779487196, gnomAD 0.01%). This sequence change affects codon 316 of the CNOT1 mRNA. It is a 'silent' change, meaning that it does not change the encoded amino acid sequence of the CNOT1 protein. This variant has not been reported in the literature in individuals affected with CNOT1-related conditions. In summary, the available evidence is currently insufficient to determine the role of this variant in disease. Therefore, it has been classified as a Variant of Uncertain Significance. Algorithms developed to predict the effect of sequence changes on RNA splicing suggest that this variant may create or strengthen a splice site.

Blueprint Genetics
Classification: Likely benign. Last evaluated: 2020-10-18. Review status: criteria provided, single submitter. Criteria: ACMG Guidelines, 2015. Collection method: clinical testing. Allele origin: germline.

Dr. Peter K. Rogan Lab, Western University
No classification provided (evidence only). Condition: Uterine corpus endometrial carcinoma. Review status: no classification provided. Collection method: in vitro. Allele origin: not applicable. Functional consequence: retained intron. Not counted in ClinVar's aggregate classification.